The following is an entry in ClinVar:

ClinVar aggregate classification (germline): Pathogenic (1 of 4 stars; one submission).

Submission:

Labcorp Genetics (formerly Invitae), Labcorp
Classification: Pathogenic. Last evaluated: 2023-10-02. Review status: criteria provided, single submitter. Criteria: Invitae Variant Classification Sherloc (09022015). Collection method: clinical testing. Allele origin: germline.
Comment: This sequence change creates a premature translational stop signal (p.Tyr42*) in the CHM gene. It is expected to result in an absent or disrupted protein product. Loss-of-function variants in CHM are known to be pathogenic (PMID: 9067750, 23811034). This variant is not present in population databases (gnomAD no frequency). This premature translational stop signal has been observed in individual(s) with choroideremia (PMID: 23811034). ClinVar contains an entry for this variant (Variation ID: 861107). For these reasons, this variant has been classified as Pathogenic.

Literature cited by the submitters: PubMed 9067750; PubMed 23811034.

NM_000390.4(CHM):c.126C>G (p.Tyr42Ter)

Gene: CHM (CHM Rab escort protein; minus strand). Cytogenetic location: Xq21.2.
Variant type: single nucleotide variant.
Coding change: c.126C>G on transcript NM_000390.4 (MANE Select); coding-DNA position 126, C replaced by G.
Protein change: p.Tyr42Ter; replaces tyrosine 42 with a stop codon.
Molecular consequence: nonsense. On other transcripts: 5 prime UTR variant (4).
Genome position (GRCh38, 1-based): chrX:85,981,800, G>C on the plus strand (C>G on the coding strand, the complement: CHM is on the minus strand). VCF-style: chrX-85981800-G-C. GRCh37 (hg19) VCF-style: chrX-85236804-G-C.
Other names: c.126C>G, p.Tyr42Ter (NM_001145414.4); c.-319C>G (NM_001320959.1, NM_001362517.1); c.-315C>G (NM_001362518.2, NM_001362519.1); short protein forms Y42*.
Identifiers: ClinVar variation 861107 (VCV000861107.9), dbSNP rs1931628708, ClinGen allele CA413788373.